The following is an entry in ClinVar:

NM_018684.4(ZC4H2):c.453C>G (p.Ile151Met)

Gene: ZC4H2 (zinc finger C4H2-type containing; minus strand). Cytogenetic location: Xq11.2.
Variant type: single nucleotide variant.
Coding change: c.453C>G on transcript NM_018684.4 (MANE Select); coding-DNA position 453, C replaced by G.
Protein change: p.Ile151Met; replaces isoleucine 151 with methionine.
Molecular consequence: missense variant. On other transcripts: non-coding transcript variant (1), intron variant (1).
Genome position (GRCh38, 1-based): chrX:64,919,150, G>C on the plus strand (C>G on the coding strand, the complement: ZC4H2 is on the minus strand). VCF-style: chrX-64919150-G-C. GRCh37 (hg19) VCF-style: chrX-64139030-G-C.
Other names: c.384C>G, p.Ile128Met (NM_001178032.3, NM_001243804.2); c.398+931C>G (NM_001178033.3); short protein forms I151M, I128M.
Identifiers: ClinVar variation 4838234 (VCV004838234.1).

ClinVar aggregate classification (germline): Uncertain significance (1 of 4 stars; one submission).

Conditions:
Inborn genetic diseases. Identifiers: MedGen C0950123, MeSH D030342.

gnomAD v4.1: 10 of 1,210,764 alleles (0.00083%); highest among the groups gnomAD compares: Non-Finnish European, 0.0011%; no homozygotes.

Submission:

Ambry Genetics
Classification: Uncertain significance for Inborn genetic diseases. Last evaluated: 2025-12-22. Review status: criteria provided, single submitter. Criteria: Ambry Variant Classification Scheme 2023. Collection method: clinical testing. Allele origin: germline.
Comment: The c.453C>G (p.I151M) alteration is located in exon 4 (coding exon 4) of the ZC4H2 gene. This alteration results from a C to G substitution at nucleotide position 453, causing the isoleucine (I) at amino acid position 151 to be replaced by a methionine (M). Based on data from gnomAD, the G allele has an overall frequency of 0.001% (1/180977) total alleles studied. The highest observed frequency was 0.001% (1/80706) of European (non-Finnish) alleles. Based on insufficient or conflicting evidence, the clinical significance of this alteration remains unclear.